The following is an entry in ClinVar:

NM_000169.3(GLA):c.59_72del (p.Ala20fs)

Genes: GLA (galactosidase alpha; minus strand), RPL36A-HNRNPH2 (RPL36A-HNRNPH2 readthrough; plus strand). Cytogenetic location: Xq22.1.
Variant type: Deletion.
Coding change: c.59_72del on transcript NM_000169.3 (MANE Select); coding-DNA positions 59 to 72, 14 bases deleted (CCCTCGTTTCCTGG).
Protein change: p.Ala20fs; shifts the reading frame from alanine 20.
Molecular consequence: frameshift variant. On other transcripts: non-coding transcript variant (3), intron variant (2).
Genome position (GRCh38, 1-based): chrX:101,407,832-101,407,845, CCAGGAAACGAGGG deleted on the plus strand (CCCTCGTTTCCTGG on the coding strand, the reverse complement: GLA is on the minus strand); deleting any 14 consecutive bases within chrX:101,407,832-101,407,852 gives the same sequence; the c. name uses the placement nearest the transcript's 3' end. VCF-style (leftmost placement, unchanged base first): chrX-101407831-CCCAGGAAACGAGGG-C. GRCh37 (hg19) VCF-style: chrX-100662819-CCCAGGAAACGAGGG-C.
Other names: c.59_72del, p.Ala20fs (NM_001406747.1, NM_001406748.1, NM_001406749.1); c.301-4097_301-4084del (NM_001199973.2); c.178-4097_178-4084del (NM_001199974.2); short protein forms A20fs.
Identifiers: ClinVar variation 4087252 (VCV004087252.2).

ClinVar aggregate classification (germline): Pathogenic (1 of 4 stars; one submission).

Conditions:
Fabry disease. Also called: ALPHA-GALACTOSIDASE A DEFICIENCY; ANDERSON-FABRY DISEASE; CERAMIDE TRIHEXOSIDASE DEFICIENCY; GLA DEFICIENCY; HEREDITARY DYSTOPIC LIPIDOSIS; Angiokeratoma corporis diffusum. Identifiers: Orphanet 324, MedGen C0002986, MONDO:0010526, OMIM 301500, HP:0001071. Disease mechanism: Fabry disease is due to inactivating mutations in the X-linked GLA gene resulting in deficiency of the enzyme Alpha Galactosidase-A., loss of function.

Submission:

Genomenon, Inc
Classification: Pathogenic for Fabry disease. Last evaluated: 2026-09-08. Review status: criteria provided, single submitter. Criteria: Genomenon Sequence Variant Interpretation Standards - Updated. Collection method: curation. Allele origin: germline. Affected: yes.
Comment: GLA p.Ala20GlyfsTer6 (c.59_72del) is a frameshift variant that is predicted to introduce a premature termination codon and result in a truncated or absent protein product. This variant has been observed in at least one proband with clinical features consistent with Fabry disease (PMID:27560961). Functional or patient cell studies have been reported (PMID:27560961). It is absent or not present at a significant frequency in gnomAD. In conclusion, we classify GLA p.Ala20GlyfsTer6 (c.59_72del) as a pathogenic variant.

Literature cited by the submitters: PubMed 27560961.